The following is an entry in ClinVar:

NM_000329.3(RPE65):c.220G>C (p.Glu74Gln)

Gene: RPE65 (retinoid isomerohydrolase RPE65; minus strand). Cytogenetic location: 1p31.3.
Variant type: single nucleotide variant.
Coding change: c.220G>C on transcript NM_000329.3 (MANE Select); coding-DNA position 220, G replaced by C.
Protein change: p.Glu74Gln; replaces glutamic acid 74 with glutamine.
Molecular consequence: missense variant.
Genome position (GRCh38, 1-based): chr1:68,446,735, C>G on the plus strand (G>C on the coding strand, the complement: RPE65 is on the minus strand). VCF-style: chr1-68446735-C-G. GRCh37 (hg19) VCF-style: chr1-68912418-C-G.
Other names: short protein forms E74Q.
Identifiers: ClinVar variation 1354862 (VCV001354862.8), dbSNP rs2100831197, ClinGen allele CA340748934.

ClinVar aggregate classification (germline): Uncertain significance (1 of 4 stars; one submission).

Conditions:
Retinitis pigmentosa 20 (RP20). Identifiers: Orphanet 791, MedGen C3151086, MONDO:0013425, OMIM 613794.
Leber congenital amaurosis 2 (LCA2). Also called: Autosomal Recessive RPE65-Related Retinal Degeneration; AMAUROSIS CONGENITA OF LEBER II. Identifiers: Orphanet 65, MedGen C1859844, MONDO:0008765, OMIM 204100. Disease mechanism: loss of function.

Submission:

Labcorp Genetics (formerly Invitae), Labcorp
Classification: Uncertain significance for Leber congenital amaurosis 2; Retinitis pigmentosa 20. Last evaluated: 2025-10-08. Review status: criteria provided, single submitter. Criteria: Invitae Variant Classification Sherloc (09022015). Collection method: clinical testing. Allele origin: germline.
Comment: This sequence change replaces glutamic acid, which is acidic and polar, with glutamine, which is neutral and polar, at codon 74 of the RPE65 protein (p.Glu74Gln). This variant is not present in population databases (gnomAD no frequency). This variant has not been reported in the literature in individuals affected with RPE65-related conditions. ClinVar contains an entry for this variant (Variation ID: 1354862). Invitae Evidence Modeling of protein sequence and biophysical properties (such as structural, functional, and spatial information, amino acid conservation, physicochemical variation, residue mobility, and thermodynamic stability) indicates that this missense variant is not expected to disrupt RPE65 protein function with a negative predictive value of 80%. In summary, the available evidence is currently insufficient to determine the role of this variant in disease. Therefore, it has been classified as a Variant of Uncertain Significance.